The following is an entry in ClinVar:

NM_000222.3(KIT):c.1188T>A (p.Asn396Lys)

Gene: KIT (KIT proto-oncogene, receptor tyrosine kinase; plus strand). Cytogenetic location: 4q12.
Variant type: single nucleotide variant.
Coding change: c.1188T>A on transcript NM_000222.3 (MANE Select); coding-DNA position 1188, T replaced by A.
Protein change: p.Asn396Lys; replaces asparagine 396 with lysine.
Molecular consequence: missense variant.
Genome position (GRCh38, 1-based): chr4:54,709,496, T>A. VCF-style: chr4-54709496-T-A. GRCh37 (hg19) VCF-style: chr4-55575662-T-A.
Other names: c.1188T>A, p.Asn396Lys (NM_001093772.2, NM_001385285.1, NM_001385286.1); c.1191T>A, p.Asn397Lys (NM_001385284.1, NM_001385288.1, NM_001385290.1 and 1 more transcripts); short protein forms N396K, N397K.
Identifiers: ClinVar variation 1040511 (VCV001040511.16), dbSNP rs1721003241, ClinGen allele CA356902453.
Genomic context (GRCh38, chr4:54,709,496, plus strand): 5'-ACTTCATCTAACGAGATTAAAAGGCACCGAAGGAGGCACTTACACATTCCTAGTGTCCAA[T>A]TCTGACGTCAATGCTGCCATAGCATTTAATGTTTATGTGAATAGTAAGTAACATGAAGGG-3'
Protein context (NP_000213.1, residues 386-406): EGGTYTFLVS[Asn396Lys]SDVNAAIAFN

ClinVar aggregate classification (germline): Uncertain significance (1 of 4 stars; one submission).

Conditions:
Gastrointestinal stromal tumor. Also called: Gastrointestinal stromal tumor, somatic; Gastrointestinal stroma tumor. Identifiers: Orphanet 44890, MedGen C0238198, MeSH D046152, MONDO:0011719, OMIM 606764, HP:0100723.

Submission:

Labcorp Genetics (formerly Invitae), Labcorp
Classification: Uncertain significance for Gastrointestinal stromal tumor. Last evaluated: 2020-02-20. Review status: criteria provided, single submitter. Criteria: Invitae Variant Classification Sherloc (09022015). Collection method: clinical testing. Allele origin: germline.
Comment: Algorithms developed to predict the effect of missense changes on protein structure and function (SIFT, PolyPhen-2, Align-GVGD) all suggest that this variant is likely to be disruptive, but these predictions have not been confirmed by published functional studies and their clinical significance is uncertain. This variant has not been reported in the literature in individuals with KIT-related conditions. This variant is not present in population databases (ExAC no frequency). This sequence change replaces asparagine with lysine at codon 396 of the KIT protein (p.Asn396Lys). The asparagine residue is highly conserved and there is a moderate physicochemical difference between asparagine and lysine. In summary, the available evidence is currently insufficient to determine the role of this variant in disease. Therefore, it has been classified as a Variant of Uncertain Significance.